The following is an entry in ClinVar:

ClinVar aggregate classification (germline): Uncertain significance (1 of 4 stars; one submission).

Allele frequency attached by ClinVar (database versions not stated): gnomAD exomes below 0.00001; TOPMed below 0.00001.
gnomAD v4.1: 1 of 1,614,114 alleles (0.000062%); highest among the groups gnomAD compares: Non-Finnish European, 0.000085%; no homozygotes.

Submission:

Ambry Genetics
Classification: Uncertain significance. Last evaluated: 2023-11-02. Review status: criteria provided, single submitter. Criteria: Ambry Variant Classification Scheme 2023. Collection method: clinical testing. Allele origin: germline.
Comment: The p.L260F variant (also known as c.780G>T), located in coding exon 6 of the NQO1 gene, results from a G to T substitution at nucleotide position 780. The leucine at codon 260 is replaced by phenylalanine, an amino acid with highly similar properties. This amino acid position is conserved. In addition, this alteration is predicted to be tolerated by in silico analysis. Since supporting evidence is limited at this time, the clinical significance of this alteration remains unclear.

NM_000903.3(NQO1):c.780G>T (p.Leu260Phe)

Gene: NQO1 (NAD(P)H quinone dehydrogenase 1; minus strand). Cytogenetic location: 16q22.1.
Variant type: single nucleotide variant.
Coding change: c.780G>T on transcript NM_000903.3 (MANE Select); coding-DNA position 780, G replaced by T.
Protein change: p.Leu260Phe; replaces leucine 260 with phenylalanine.
Molecular consequence: missense variant.
Genome position (GRCh38, 1-based): chr16:69,711,021, C>A on the plus strand (G>T on the coding strand, the complement: NQO1 is on the minus strand). VCF-style: chr16-69711021-C-A. GRCh37 (hg19) VCF-style: chr16-69744924-C-A.
Other names: c.678G>T, p.Leu226Phe (NM_001025433.2); c.666G>T, p.Leu222Phe (NM_001025434.2); c.564G>T, p.Leu188Phe (NM_001286137.2); short protein forms L188F, L226F, L222F, L260F.
Identifiers: ClinVar variation 1760737 (VCV001760737.2), dbSNP rs2038031048, ClinGen allele CA396487374.